The following is an entry in ClinVar:

ClinVar aggregate classification (germline): Uncertain significance (1 of 4 stars; one submission).

Conditions:
Cardiovascular phenotype. Identifiers: MedGen CN230736.

gnomAD v4.1: 1 of 1,613,844 alleles (0.000062%); highest among the groups gnomAD compares: African/African-American, 0.0013%; no homozygotes.

Submission:

Ambry Genetics
Classification: Uncertain significance for Cardiovascular phenotype. Last evaluated: 2025-06-28. Review status: criteria provided, single submitter. Criteria: Ambry Variant Classification Scheme 2023. Collection method: clinical testing. Allele origin: germline.
Comment: The p.V448L variant (also known as c.1342G>C), located in coding exon 10 of the ABCG5 gene, results from a G to C substitution at nucleotide position 1342. The valine at codon 448 is replaced by leucine, an amino acid with highly similar properties. This amino acid position is conserved. In addition, this alteration is predicted to be tolerated by in silico analysis. Based on the available evidence, the clinical significance of this variant remains unclear.

NM_022436.3(ABCG5):c.1342G>C (p.Val448Leu)

Genes: ABCG5 (ATP binding cassette subfamily G member 5; minus strand), DYNC2LI1 (dynein cytoplasmic 2 light intermediate chain 1; plus strand). Cytogenetic location: 2p21.
Variant type: single nucleotide variant.
Coding change: c.1342G>C on transcript NM_022436.3 (MANE Select); coding-DNA position 1342, G replaced by C.
Protein change: p.Val448Leu; replaces valine 448 with leucine.
Molecular consequence: missense variant. On other transcripts: intron variant (2).
Genome position (GRCh38, 1-based): chr2:43,822,918, C>G on the plus strand (G>C on the coding strand, the complement: ABCG5 is on the minus strand). VCF-style: chr2-43822918-C-G. GRCh37 (hg19) VCF-style: chr2-44050057-C-G.
Other names: c.*16-4468C>G (NM_001348913.2, NM_001348912.2); short protein forms V448L.
Identifiers: ClinVar variation 4146733 (VCV004146733.1).
Genomic context (GRCh38, chr2:43,822,918, plus strand): 5'-CATAGGCCAGCATCATCTGCCACTTCTGGTAGAGGCCGTCCTGACTCTCCTGGTCGCTGA[C>G]AGCTCGCAGCACGGGAACTGGGGATGGAAGGCAGGTTTCAGAACAGTCAGTCACCACCCA-3'
Protein context (NP_071881.1, residues 438-458): AVNLFPVLRA[Val448Leu]SDQESQDGLY